The following is an entry in ClinVar:

ClinVar aggregate classification (germline): Likely pathogenic (1 of 4 stars; one submission).

Conditions:
Cranioectodermal dysplasia 2 (CED2). Identifiers: Orphanet 1515, MedGen C3150874, MONDO:0013323, OMIM 613610.
Short-rib thoracic dysplasia 7 with or without polydactyly (SRTD7). Also called: Short rib polydactyly syndrome 5; SHORT-RIB THORACIC DYSPLASIA 7 WITH POLYDACTYLY. Identifiers: Orphanet 498497, Orphanet 93271, MedGen C3279792, MONDO:0013569, OMIM 614091.

Submission:

First Genomix Gene Laboratory, Genetic Diagnostics Department
Classification: Likely pathogenic for Cranioectodermal dysplasia 2; Short-rib thoracic dysplasia 7 with or without polydactyly. Last evaluated: 2025-07-14. Review status: criteria provided, single submitter. Criteria: ACMG Guidelines, 2015. Collection method: clinical testing. Allele origin: germline. Inheritance: Autosomal recessive inheritance. Affected: no. Observed: 1 variant allele.

NM_020779.4(WDR35):c.153dup (p.Leu52fs)

Gene: WDR35 (WD repeat domain 35; minus strand). Cytogenetic location: 2p24.1.
Variant type: Duplication.
Coding change: c.153dup on transcript NM_020779.4 (MANE Select); coding-DNA position 153, one base duplicated (A; older notation c.153dupA).
Protein change: p.Leu52fs; shifts the reading frame from leucine 52.
Molecular consequence: frameshift variant.
Genome position (GRCh38, 1-based): chr2:19,982,524, T duplicated on the plus strand (A on the coding strand, the reverse complement: WDR35 is on the minus strand); the first of 4 consecutive T bases (chr2:19,982,524-19,982,527); duplicating any one gives the same sequence. VCF-style (leftmost placement, unchanged base first): chr2-19982523-A-AT. GRCh37 (hg19) VCF-style: chr2-20182284-A-AT.
Other names: c.153dupA (NM_001006657.2); c.153dup, p.Leu52fs (NM_001006657.2); short protein forms L52fs.
Identifiers: ClinVar variation 4849304 (VCV004849304.1).